The following is an entry in ClinVar:

ClinVar aggregate classification (germline): Uncertain significance (1 of 4 stars; one submission).

Conditions:
Gastrointestinal stromal tumor. Also called: Gastrointestinal stromal tumor, somatic; Gastrointestinal stroma tumor. Identifiers: Orphanet 44890, MedGen C0238198, MeSH D046152, MONDO:0011719, OMIM 606764, HP:0100723.

Submission:

Labcorp Genetics (formerly Invitae), Labcorp
Classification: Uncertain significance for Gastrointestinal stromal tumor. Last evaluated: 2023-03-19. Review status: criteria provided, single submitter. Criteria: Invitae Variant Classification Sherloc (09022015). Collection method: clinical testing. Allele origin: germline.
Comment: In summary, the available evidence is currently insufficient to determine the role of this variant in disease. Therefore, it has been classified as a Variant of Uncertain Significance. Advanced modeling of protein sequence and biophysical properties (such as structural, functional, and spatial information, amino acid conservation, physicochemical variation, residue mobility, and thermodynamic stability) has been performed at Invitae for this missense variant, however the output from this modeling did not meet the statistical confidence thresholds required to predict the impact of this variant on PDGFRA protein function. This variant has not been reported in the literature in individuals affected with PDGFRA-related conditions. This variant is not present in population databases (gnomAD no frequency). This sequence change replaces asparagine, which is neutral and polar, with aspartic acid, which is acidic and polar, at codon 656 of the PDGFRA protein (p.Asn656Asp).

NM_006206.6(PDGFRA):c.1966A>G (p.Asn656Asp)

Gene: PDGFRA (platelet derived growth factor receptor alpha; plus strand). Cytogenetic location: 4q12.
Variant type: single nucleotide variant.
Coding change: c.1966A>G on transcript NM_006206.6 (MANE Select); coding-DNA position 1966, A replaced by G.
Protein change: p.Asn656Asp; replaces asparagine 656 with aspartic acid.
Molecular consequence: missense variant.
Genome position (GRCh38, 1-based): chr4:54,277,970, A>G. VCF-style: chr4-54277970-A-G. GRCh37 (hg19) VCF-style: chr4-55144137-A-G.
Other names: c.1966A>G, p.Asn656Asp (NM_001347827.2, NM_001347829.2); c.2041A>G, p.Asn681Asp (NM_001347828.2); c.2005A>G, p.Asn669Asp (NM_001347830.2); short protein forms N669D, N656D, N681D.
Identifiers: ClinVar variation 2847388 (VCV002847388.3), dbSNP rs2110311817, ClinGen allele CA356893728.